The following is an entry in ClinVar:

ClinVar aggregate classification (germline): Uncertain significance (1 of 4 stars; one submission).

Allele frequency attached by ClinVar (database versions not stated): TOPMed below 0.00001.

Submission:

Labcorp Genetics (formerly Invitae), Labcorp
Classification: Uncertain significance. Last evaluated: 2023-08-11. Review status: criteria provided, single submitter. Criteria: Invitae Variant Classification Sherloc (09022015). Collection method: clinical testing. Allele origin: germline.
Comment: In summary, the available evidence is currently insufficient to determine the role of this variant in disease. Therefore, it has been classified as a Variant of Uncertain Significance. An algorithm developed to predict the effect of missense changes on protein structure and function (PolyPhen-2) suggests that this variant is likely to be tolerated. This variant has not been reported in the literature in individuals affected with ANGPT1-related conditions. This variant is not present in population databases (gnomAD no frequency). This sequence change replaces glycine, which is neutral and non-polar, with valine, which is neutral and non-polar, at codon 30 of the ANGPT1 protein (p.Gly30Val).

NM_001146.5(ANGPT1):c.89G>T (p.Gly30Val)

Gene: ANGPT1 (angiopoietin 1; minus strand). Cytogenetic location: 8q23.1.
Variant type: single nucleotide variant.
Coding change: c.89G>T on transcript NM_001146.5 (MANE Select); coding-DNA position 89, G replaced by T.
Protein change: p.Gly30Val; replaces glycine 30 with valine.
Molecular consequence: missense variant.
Genome position (GRCh38, 1-based): chr8:107,497,470, C>A on the plus strand (G>T on the coding strand, the complement: ANGPT1 is on the minus strand). VCF-style: chr8-107497470-C-A. GRCh37 (hg19) VCF-style: chr8-108509698-C-A.
Other names: c.89G>T, p.Gly30Val (NM_001199859.3); short protein forms G30V.
Identifiers: ClinVar variation 2745848 (VCV002745848.3), dbSNP rs1309689623, ClinGen allele CA372035555.